The following is an entry in ClinVar:

NM_024417.5(FDXR):c.669G>C (p.Val223=)

Gene: FDXR (ferredoxin reductase; minus strand). Cytogenetic location: 17q25.1.
Variant type: single nucleotide variant.
Coding change: c.669G>C on transcript NM_024417.5 (MANE Select); coding-DNA position 669, G replaced by C.
Protein change: p.Val223=; no amino-acid change (valine 223 retained).
Molecular consequence: synonymous variant. On other transcripts: non-coding transcript variant (1).
Genome position (GRCh38, 1-based): chr17:74,864,872, C>G on the plus strand (G>C on the coding strand, the complement: FDXR is on the minus strand). VCF-style: chr17-74864872-C-G. GRCh37 (hg19) VCF-style: chr17-72860994-C-G.
Other names: c.798G>C, p.Val266= (NM_001258012.4); c.762G>C, p.Val254= (NM_001258013.4); c.645G>C, p.Val215= (NM_001258014.4); c.549G>C, p.Val183= (NM_001258015.3); c.513G>C, p.Val171= (NM_001258016.3); c.687G>C, p.Val229= (NM_004110.6).
Identifiers: ClinVar variation 3051840 (VCV003051840.3), dbSNP rs369903298, ClinGen allele CA8753093.
Genomic context (GRCh38, chr17:74,864,872, plus strand): 5'-TGGCCCCAGCACCTTAATGGTGAAGGCCACTTGCAGGGGTCCACGCCGGCCCACTAGCCA[C>G]ACTGTCTTCACTCGACTCTGCCTCAGTACACCCAGGGCTGCCTTCGTGATGTCCGTTCTC-3'
Protein context (NP_077728.3, residues 213-233): GVLRQSRVKT[Val223=]WLVGRRGPLQ

ClinVar aggregate classification (germline): Likely benign. Review status: criteria provided, single submitter (1 of 4 stars). 2 submissions from 2 submitters: Likely benign (1). 1 of the submissions does not count toward it. Last evaluated 2024-06-07.

Conditions:
FDXR-related disorder. Also called: FDXR-related disorders; FDXR-related condition.

Allele frequency attached by ClinVar (database versions not stated): ESP Exome Variant Server 0.00008; ExAC 0.00010; gnomAD exomes 0.00010.
gnomAD v4.1: 148 of 1,614,058 alleles (0.0092%); highest among the groups gnomAD compares: Middle Eastern, 0.13%; no homozygotes.

Submissions (2):

Blueprint Genetics
Classification: Likely benign. Last evaluated: 2024-06-07. Review status: criteria provided, single submitter. Criteria: ACMG Guidelines, 2015. Collection method: clinical testing. Allele origin: germline.

PreventionGenetics, part of Exact Sciences
Classification: Likely benign for FDXR-related condition. Last evaluated: 2019-02-21. Review status: no assertion criteria provided. Collection method: clinical testing. Allele origin: germline. Not counted in ClinVar's aggregate classification.
Comment: This variant is classified as likely benign based on ACMG/AMP sequence variant interpretation guidelines (Richards et al. 2015 PMID: 25741868, with internal and published modifications).